The following is an entry in ClinVar:

ClinVar aggregate classification (germline): Pathogenic (1 of 4 stars; one submission).

Conditions:
Neurofibromatosis, type 1 (NF1). Also called: VON RECKLINGHAUSEN DISEASE; Peripheral type neurofibromatosis; NEUROFIBROMATOSIS, TYPE I, SOMATIC; Neurofibromatosis, type I. Identifiers: Orphanet 636, MedGen C0027831, MONDO:0018975, OMIM 162200. Disease mechanism: loss of function.

Submission:

Labcorp Genetics (formerly Invitae), Labcorp
Classification: Pathogenic for Neurofibromatosis, type 1. Last evaluated: 2025-10-01. Review status: criteria provided, single submitter. Criteria: Invitae Variant Classification Sherloc (09022015). Collection method: clinical testing. Allele origin: germline.
Comment: This sequence change creates a premature translational stop signal (p.Gln2319Alafs*8) in the NF1 gene. It is expected to result in an absent or disrupted protein product. Loss-of-function variants in NF1 are known to be pathogenic (PMID: 10712197, 23913538). This variant is not present in population databases (gnomAD no frequency). This variant has not been reported in the literature in individuals affected with NF1-related conditions. For these reasons, this variant has been classified as Pathogenic.

Literature cited by the submitters: PubMed 10712197; PubMed 23913538.

NM_001042492.3(NF1):c.7017_7018insG (p.Gln2340fs)

Gene: NF1 (neurofibromin 1; plus strand). Cytogenetic location: 17q11.2.
Variant type: Insertion.
Coding change: c.7017_7018insG on transcript NM_001042492.3 (MANE Select); coding-DNA positions 7017 to 7018, G inserted.
Protein change: p.Gln2340fs; shifts the reading frame from glutamine 2340.
Molecular consequence: frameshift variant.
Genome position: GRCh38 VCF-style: chr17-31340600-A-AG. GRCh37 (hg19) VCF-style: chr17-29667618-A-AG.
Other names: c.6954_6955insG, p.Gln2319fs (NM_000267.4); short protein forms Q2340fs, Q2319fs.
Identifiers: ClinVar variation 4728226 (VCV004728226.1).
Genomic context (GRCh38, chr17:31,340,600, plus strand): 5'-TGTGGCTGTGCTGCAGCTTGATGAGGTCAACTTGTATTCAGCAGGTACCGCACTTCTTGA[A>AG]CAAAACCTGCATACTTTAGATAGTCTCCGTATATTCAATGACAAGGTAAGCAAACTTTGC-3'